The following is an entry in ClinVar:

NM_001170700.3(DTHD1):c.1111C>T (p.Arg371Cys)

Gene: DTHD1 (death domain containing 1; plus strand). Cytogenetic location: 4p14.
Variant type: single nucleotide variant.
Coding change: c.1111C>T on transcript NM_001170700.3 (MANE Select); coding-DNA position 1111, C replaced by T.
Protein change: p.Arg371Cys; replaces arginine 371 with cysteine.
Molecular consequence: missense variant. On other transcripts: non-coding transcript variant (2).
Genome position (GRCh38, 1-based): chr4:36,290,596, C>T. VCF-style: chr4-36290596-C-T. GRCh37 (hg19) VCF-style: chr4-36292218-C-T.
Other names: c.241C>T, p.Arg81Cys (NM_001136536.5, NM_001378435.1); c.736C>T (NM_001170700.1); short protein forms R371C, R81C.
Identifiers: ClinVar variation 1417889 (VCV001417889.7), dbSNP rs1395400652, ClinGen allele CA356679059.

ClinVar aggregate classification (germline): Uncertain significance. Review status: criteria provided, multiple submitters, no conflicts (2 of 4 stars). 2 submissions from 2 submitters: Uncertain significance (2). Last evaluated 2025-06-04.

Allele frequency attached by ClinVar (database versions not stated): gnomAD 0.00001; gnomAD exomes 0.00001 and 0.00002.

Submissions (2):

Labcorp Genetics (formerly Invitae), Labcorp
Classification: Uncertain significance. Last evaluated: 2025-06-04. Review status: criteria provided, single submitter. Criteria: Invitae Variant Classification Sherloc (09022015). Collection method: clinical testing. Allele origin: germline.
Comment: This sequence change replaces arginine, which is basic and polar, with cysteine, which is neutral and slightly polar, at codon 81 of the DTHD1 protein (p.Arg81Cys). This variant is present in population databases (no rsID available, gnomAD 0.004%). This variant has not been reported in the literature in individuals affected with DTHD1-related conditions. ClinVar contains an entry for this variant (Variation ID: 1417889). An algorithm developed to predict the effect of missense changes on protein structure and function outputs the following: PolyPhen-2: "Benign". The cysteine amino acid residue is found in multiple mammalian species, which suggests that this missense change does not adversely affect protein function. In summary, the available evidence is currently insufficient to determine the role of this variant in disease. Therefore, it has been classified as a Variant of Uncertain Significance.

Ambry Genetics
Classification: Uncertain significance. Last evaluated: 2025-01-21. Review status: criteria provided, single submitter. Criteria: Ambry Variant Classification Scheme 2023. Collection method: clinical testing. Allele origin: germline.